The following is an entry in ClinVar:

NM_198253.3(TERT):c.339G>A (p.Glu113=)

Gene: TERT (telomerase reverse transcriptase; minus strand). Cytogenetic location: 5p15.33.
Variant type: single nucleotide variant.
Coding change: c.339G>A on transcript NM_198253.3 (MANE Select); coding-DNA position 339, G replaced by A.
Protein change: p.Glu113=; no amino-acid change (glutamic acid 113 retained).
Molecular consequence: synonymous variant. On other transcripts: non-coding transcript variant (2).
Genome position (GRCh38, 1-based): chr5:1,294,547, C>T on the plus strand (G>A on the coding strand, the complement: TERT is on the minus strand). VCF-style: chr5-1294547-C-T. GRCh37 (hg19) VCF-style: chr5-1294662-C-T.
Other names: c.339G>A, p.Glu113= (NM_001193376.3).
Identifiers: ClinVar variation 242241 (VCV000242241.12), dbSNP rs757141480, ClinGen allele CA3184992.
Genomic context (GRCh38, chr5:1,294,547, plus strand): 5'-CCCCCGCAGTGCGTCGGTCACCGTGTTGGGCAGGTAGCTGCGCACGCTGGTGGTGAAGGC[C>T]TCGGGGGGGCCCCCGCGGGCCCCGTCCAGCAGCGCGAAGCCGAAGGCCAGCACGTTCTTC-3'
Protein context (NP_937983.2, residues 103-123): LLDGARGGPP[Glu113=]AFTTSVRSYL

ClinVar aggregate classification (germline): Conflicting classifications of pathogenicity. Review status: criteria provided, conflicting classifications (1 of 4 stars). 3 submissions from 3 submitters: Uncertain significance (1); Likely benign (2). Last evaluated 2025-06-10.

Conditions:
Dyskeratosis congenita. Identifiers: Orphanet 1775, MedGen C0265965, MONDO:0015780.
Idiopathic Pulmonary Fibrosis. Also called: Idiopathic fibrosing alveolitis, chronic form; idiopathic fibrosing alveolitis. Identifiers: Orphanet 2032, MedGen C1800706, MeSH D054990, MONDO:0800504.
Dyskeratosis congenita, autosomal dominant 2. Identifiers: MedGen C3151443, MONDO:0013521, OMIM 613989.

Allele frequency attached by ClinVar (database versions not stated): gnomAD exomes 0.00001 and 0.00002; TOPMed 0.00001; ExAC 0.00004.
gnomAD v4.1: 13 of 1,579,320 alleles (0.00082%); highest among the groups gnomAD compares: South Asian, 0.012%; no homozygotes.

Submissions (3):

GeneDx
Classification: Uncertain significance. Last evaluated: 2025-06-10. Review status: criteria provided, single submitter. Criteria: GeneDx Variant Classification Process June 2021. Collection method: clinical testing. Allele origin: germline. Affected: yes.
Comment: In silico analysis suggests that this variant does not alter splicing; Has not been previously published as pathogenic or benign to our knowledge

Labcorp Genetics (formerly Invitae), Labcorp
Classification: Likely benign for Dyskeratosis congenita, autosomal dominant 2; Idiopathic Pulmonary Fibrosis. Last evaluated: 2024-06-24. Review status: criteria provided, single submitter. Criteria: Invitae Variant Classification Sherloc (09022015). Collection method: clinical testing. Allele origin: germline.

Ambry Genetics
Classification: Likely benign for Dyskeratosis congenita. Last evaluated: 2022-08-16. Review status: criteria provided, single submitter. Criteria: Ambry Variant Classification Scheme 2023. Collection method: clinical testing. Allele origin: germline.